The following is an entry in ClinVar:

NM_000391.4(TPP1):c.963T>G (p.His321Gln)

Gene: TPP1 (tripeptidyl peptidase 1; minus strand). Cytogenetic location: 11p15.4.
Variant type: single nucleotide variant.
Coding change: c.963T>G on transcript NM_000391.4 (MANE Select); coding-DNA position 963, T replaced by G.
Protein change: p.His321Gln; replaces histidine 321 with glutamine.
Molecular consequence: missense variant.
Genome position (GRCh38, 1-based): chr11:6,616,427, A>C on the plus strand (T>G on the coding strand, the complement: TPP1 is on the minus strand). VCF-style: chr11-6616427-A-C. GRCh37 (hg19) VCF-style: chr11-6637658-A-C.
Other names: short protein forms H321Q.
Identifiers: ClinVar variation 4749047 (VCV004749047.1).

ClinVar aggregate classification (germline): Uncertain significance (1 of 4 stars; one submission).

gnomAD v4.1: 4 of 1,613,568 alleles (0.00025%); highest among the groups gnomAD compares: Non-Finnish European, 0.00034%; no homozygotes.

Submission:

Labcorp Genetics (formerly Invitae), Labcorp
Classification: Uncertain significance. Last evaluated: 2025-02-20. Review status: criteria provided, single submitter. Criteria: Invitae Variant Classification Sherloc (09022015). Collection method: clinical testing. Allele origin: germline.
Comment: This sequence change replaces histidine, which is basic and polar, with glutamine, which is neutral and polar, at codon 321 of the TPP1 protein (p.His321Gln). This variant is present in population databases (no rsID available, gnomAD 0.0009%). This variant has not been reported in the literature in individuals affected with TPP1-related conditions. Invitae Evidence Modeling of protein sequence and biophysical properties (such as structural, functional, and spatial information, amino acid conservation, physicochemical variation, residue mobility, and thermodynamic stability) has been performed for this missense variant. However, the output from this modeling did not meet the statistical confidence thresholds required to predict the impact of this variant on TPP1 protein function. Algorithms developed to predict the effect of sequence changes on RNA splicing suggest that this variant may create or strengthen a splice site. In summary, the available evidence is currently insufficient to determine the role of this variant in disease. Therefore, it has been classified as a Variant of Uncertain Significance.